The following is an entry in ClinVar:

ClinVar aggregate classification (germline): Pathogenic. Review status: criteria provided, single submitter (1 of 4 stars). 2 submissions from 2 submitters: Pathogenic (1). 1 of the submissions does not count toward it. Last evaluated 2017-07-01.

Conditions:
Autosomal recessive nonsyndromic hearing loss 4 (DFNB4). Also called: DEAFNESS, AUTOSOMAL RECESSIVE 4, WITH ENLARGED VESTIBULAR AQUEDUCT, DIGENIC; Enlarged vestibular aqueduct, digenic; Nonsyndromic enlarged vestibular aqueduct (NSEVA); Deafness, autosomal recessive 4, with enlarged vestibular aqueduct; FOXI1-Related Pendred Syndrome; KCNJ10-Related Pendred Syndrome. Identifiers: Orphanet 90636, MedGen C3538946, MONDO:0010933, OMIM 600791.

Allele frequency attached by ClinVar (database versions not stated): gnomAD 0.00001.

Submissions (2):

Division of Hearing and Balance Research, National Hospital Organization Tokyo Medical Center
Classification: Pathogenic for Autosomal recessive nonsyndromic hearing loss 4. Last evaluated: 2017-07-01. Review status: criteria provided, single submitter. Criteria: Submitter's publication. Collection method: clinical testing. Allele origin: germline. Affected: yes. Observed: 1 variant allele.

National Institute of Sensory Organs, National Hospital Organization Tokyo Medical Center
Classification: Affects for Autosomal recessive nonsyndromic hearing loss 4. Last evaluated: 2019-08-20. Review status: no assertion criteria provided. Collection method: clinical testing, in vitro. Allele origin: inherited, germline. Inheritance: Autosomal recessive inheritance. Affected: yes. Functional consequence: loss_of_function_variant. Not counted in ClinVar's aggregate classification.
Comment: in vitro experiment

Literature cited by the submitters: PubMed 24105851 (cited by National Institute of Sensory Organs, National Hospital Organization Tokyo Medical Center); PubMed 31599023 (cited by National Institute of Sensory Organs, National Hospital Organization Tokyo Medical Center).

NM_000441.2(SLC26A4):c.82A>G (p.Ser28Gly)

Genes: SLC26A4 (solute carrier family 26 member 4; plus strand), SLC26A4-AS1 (SLC26A4 antisense RNA 1; minus strand). Cytogenetic location: 7q22.3.
Variant type: single nucleotide variant.
Coding change: c.82A>G on transcript NM_000441.2 (MANE Select); coding-DNA position 82, A replaced by G.
Protein change: p.Ser28Gly; replaces serine 28 with glycine.
Molecular consequence: missense variant. On other transcripts: non-coding transcript variant (1).
Genome position (GRCh38, 1-based): chr7:107,661,723, A>G. VCF-style: chr7-107661723-A-G. GRCh37 (hg19) VCF-style: chr7-107302168-A-G.
Other names: short protein forms S28G.
Identifiers: ClinVar variation 446459 (VCV000446459.6), dbSNP rs1554352234, ClinGen allele CA368844992.